The following is an entry in ClinVar:

ClinVar aggregate classification (germline): Uncertain significance (1 of 4 stars; one submission).

Conditions:
Gingival disorder. Also called: Gingival disease. Identifiers: MedGen C0017563, MONDO:0002021.

Allele frequency attached by ClinVar (database versions not stated): gnomAD 0.00003 and 0.00004; TOPMed 0.00004; ExAC 0.00007; gnomAD exomes 0.00007 and 0.00025; ESP Exome Variant Server 0.00015.
gnomAD v4.1: 352 of 1,614,008 alleles (0.022%); highest among the groups gnomAD compares: Non-Finnish European, 0.028%; no homozygotes.

Submission:

Labcorp Genetics (formerly Invitae), Labcorp
Classification: Uncertain significance for Gingival disorder. Last evaluated: 2026-01-23. Review status: criteria provided, single submitter. Criteria: Invitae Variant Classification Sherloc (09022015). Collection method: clinical testing. Allele origin: germline.
Comment: This sequence change replaces alanine, which is neutral and non-polar, with threonine, which is neutral and polar, at codon 318 of the FPR1 protein (p.Ala318Thr). This variant is present in population databases (rs201404212, gnomAD 0.01%). This variant has not been reported in the literature in individuals affected with FPR1-related conditions. ClinVar contains an entry for this variant (Variation ID: 840695). An algorithm developed to predict the effect of missense changes on protein structure and function outputs the following: PolyPhen-2: "Benign". The threonine amino acid residue is found in multiple mammalian species, which suggests that this missense change does not adversely affect protein function. In summary, the available evidence is currently insufficient to determine the role of this variant in disease. Therefore, it has been classified as a Variant of Uncertain Significance.

NM_002029.4(FPR1):c.952G>A (p.Ala318Thr)

Gene: FPR1 (formyl peptide receptor 1; minus strand). Cytogenetic location: 19q13.41.
Variant type: single nucleotide variant.
Coding change: c.952G>A on transcript NM_002029.4 (MANE Select); coding-DNA position 952, G replaced by A.
Protein change: p.Ala318Thr; replaces alanine 318 with threonine.
Molecular consequence: missense variant.
Genome position (GRCh38, 1-based): chr19:51,746,043, C>T on the plus strand (G>A on the coding strand, the complement: FPR1 is on the minus strand). VCF-style: chr19-51746043-C-T. GRCh37 (hg19) VCF-style: chr19-52249296-C-T.
Other names: c.952G>A, p.Ala318Thr (NM_001193306.2); short protein forms A318T.
Identifiers: ClinVar variation 840695 (VCV000840695.9), dbSNP rs201404212, ClinGen allele CA9616351.